The following is an entry in ClinVar:

NM_000245.4(MET):c.3115G>A (p.Asp1039Asn)

Gene: MET (MET proto-oncogene, receptor tyrosine kinase; plus strand). Cytogenetic location: 7q31.2.
Variant type: single nucleotide variant.
Coding change: c.3115G>A on transcript NM_000245.4 (MANE Select); coding-DNA position 3115, G replaced by A.
Protein change: p.Asp1039Asn; replaces aspartic acid 1039 with asparagine.
Molecular consequence: missense variant.
Genome position (GRCh38, 1-based): chr7:116,774,967, G>A. VCF-style: chr7-116774967-G-A. GRCh37 (hg19) VCF-style: chr7-116415021-G-A.
Other names: c.3169G>A, p.Asp1057Asn (NM_001127500.3); c.1825G>A, p.Asp609Asn (NM_001324402.2); c.3169G>A (LRG_662t1); short protein forms D1057N, D609N, D1039N.
Identifiers: ClinVar variation 454233 (VCV000454233.16), dbSNP rs777748634, ClinGen allele CA4448654.

ClinVar aggregate classification (germline): Uncertain significance. Review status: criteria provided, multiple submitters, no conflicts (2 of 4 stars). 4 submissions from 4 submitters: Uncertain significance (4). Last evaluated 2026-09-01.

Conditions:
Renal cell carcinoma. Identifiers: Orphanet 217071, MedGen C0007134, MeSH D002292, MONDO:0005086, HP:0005584.
Hereditary cancer-predisposing syndrome. Also called: Hereditary neoplastic syndrome; Tumor predisposition; Neoplastic Syndromes, Hereditary; Hereditary Cancer Syndrome. Identifiers: Orphanet 140162, MedGen C0027672, MeSH D009386, MONDO:0015356.

Allele frequency attached by ClinVar (database versions not stated): gnomAD exomes below 0.00001; ExAC 0.00001.
gnomAD v4.1: 1 of 1,614,126 alleles (0.000062%); highest among the groups gnomAD compares: Non-Finnish European, 0.000085%; no homozygotes.

Submissions (4):

CeGaT Center for Human Genetics Tuebingen
Classification: Uncertain significance. Last evaluated: 2026-09-01. Review status: criteria provided, single submitter. Criteria: CeGaT Center For Human Genetics Tuebingen Variant Classification Criteria Version 2. Collection method: clinical testing. Allele origin: germline. Affected: yes. Observed: 1 variant allele.
Comment: MET: PM2

Dasa
Classification: Uncertain significance. Last evaluated: 2025-03-26. Review status: criteria provided, single submitter. Criteria: DASA Assertion Criteria. Collection method: clinical testing. Allele origin: germline.
Comment: NM_000245.4(MET):c.3115G>A (p.Asp1039Asn) is a missense variant that results in the substitution of aspartic acid with asparagine. This variant is rare in population databases. Computational prediction algorithms are consistent with a benign effect. The currently available literature and clinical evidence are not sufficient to establish a definitive association between this variant and the reported condition. Therefore, this variant is classified as a variant of uncertain significance.

Labcorp Genetics (formerly Invitae), Labcorp
Classification: Uncertain significance for Renal cell carcinoma. Last evaluated: 2024-08-05. Review status: criteria provided, single submitter. Criteria: Invitae Variant Classification Sherloc (09022015). Collection method: clinical testing. Allele origin: germline.
Comment: This sequence change replaces aspartic acid, which is acidic and polar, with asparagine, which is neutral and polar, at codon 1057 of the MET protein (p.Asp1057Asn). This variant is present in population databases (rs777748634, gnomAD 0.0009%). This variant has not been reported in the literature in individuals affected with MET-related conditions. ClinVar contains an entry for this variant (Variation ID: 454233). An algorithm developed to predict the effect of missense changes on protein structure and function (PolyPhen-2) suggests that this variant is likely to be disruptive. In summary, the available evidence is currently insufficient to determine the role of this variant in disease. Therefore, it has been classified as a Variant of Uncertain Significance.

Ambry Genetics
Classification: Uncertain significance for Hereditary cancer-predisposing syndrome. Last evaluated: 2024-05-12. Review status: criteria provided, single submitter. Criteria: Ambry Variant Classification Scheme 2023. Collection method: clinical testing. Allele origin: germline.
Comment: The p.D1057N variant (also known as c.3169G>A), located in coding exon 14 of the MET gene, results from a G to A substitution at nucleotide position 3169. The aspartic acid at codon 1057 is replaced by asparagine, an amino acid with highly similar properties. This amino acid position is highly conserved in available vertebrate species. In addition, this alteration is predicted to be tolerated by in silico analysis. Since supporting evidence is limited at this time, the clinical significance of this alteration remains unclear.